The following is an entry in ClinVar:

NM_032444.4(SLX4):c.4245_4246delinsAA (p.Asp1416Asn)

Gene: SLX4 (SLX4 structure-specific endonuclease subunit; minus strand). Cytogenetic location: 16p13.3.
Variant type: Indel.
Coding change: c.4245_4246delinsAA on transcript NM_032444.4 (MANE Select); coding-DNA positions 4245 to 4246, GG replaced by AA.
Protein change: p.Asp1416Asn; replaces aspartic acid 1416 with asparagine.
Molecular consequence: missense variant.
Genome position (GRCh38, 1-based): chr16:3,589,392-3,589,393, CC replaced by TT on the plus strand (GG replaced by AA on the coding strand, the reverse complement: SLX4 is on the minus strand). VCF-style: chr16-3589392-CC-TT. GRCh37 (hg19) VCF-style: chr16-3639393-CC-TT.
Other names: short protein forms D1416N.
Identifiers: ClinVar variation 1016017 (VCV001016017.7), dbSNP rs2040548229, ClinGen allele CA2202847942.
Genomic context (GRCh38, chr16:3,589,392, plus strand): 5'-TTGGCGAGAGGGGCTCCATGTGCCAGCAGCAGTCGTCAATTGGAATTGGGGGGTCACTGT[CC>TT]AGTGGGGGGCTTCTGTTGGCCTGATGGGAGGCCACCTCCTGCTCATCGTCACTGTCTCCG-3'
Protein context (NP_115820.2, residues 1406-1426): SHQANRSPPL[Asp1416Asn]SDPPIPIDDC

ClinVar aggregate classification (germline): Uncertain significance (1 of 4 stars; one submission).

Conditions:
Fanconi anemia (FA). Also called: Fanconi's anemia. Identifiers: Orphanet 84, MedGen C0015625, MeSH D005199, MONDO:0019391.

Submission:

Labcorp Genetics (formerly Invitae), Labcorp
Classification: Uncertain significance for Fanconi anemia. Last evaluated: 2020-02-12. Review status: criteria provided, single submitter. Criteria: Invitae Variant Classification Sherloc (09022015). Collection method: clinical testing. Allele origin: germline.
Comment: This sequence change replaces aspartic acid with asparagine at codon 1416 of the SLX4 protein (p.Asp1416Asn). The aspartic acid residue is moderately conserved and there is a small physicochemical difference between aspartic acid and asparagine. This variant is not present in population databases (ExAC no frequency). This variant has not been reported in the literature in individuals with SLX4-related conditions. Experimental studies and prediction algorithms are not available or were not evaluated, and the functional significance of this variant is currently unknown. The asparagine amino acid residue is found in multiple mammalian species, suggesting that this missense change does not adversely affect protein function. These predictions have not been confirmed by published functional studies and their clinical significance is uncertain. In summary, the available evidence is currently insufficient to determine the role of this variant in disease. Therefore, it has been classified as a Variant of Uncertain Significance.